The following is an entry in ClinVar:

ClinVar aggregate classification (germline): Uncertain significance (1 of 4 stars; one submission).

Conditions:
Mitochondrial trifunctional protein deficiency. Identifiers: Orphanet 746, MedGen C1969443, MONDO:0012172.

Allele frequency attached by ClinVar (database versions not stated): gnomAD exomes 0.00001 and 0.00002; ExAC 0.00002; gnomAD 0.00002; TOPMed 0.00002; ESP Exome Variant Server 0.00031.
gnomAD v4.1: 19 of 1,613,458 alleles (0.0012%); highest among the groups gnomAD compares: South Asian, 0.0055%; no homozygotes.

Submission:

Labcorp Genetics (formerly Invitae), Labcorp
Classification: Uncertain significance for Mitochondrial trifunctional protein deficiency. Last evaluated: 2021-08-26. Review status: criteria provided, single submitter. Criteria: Invitae Variant Classification Sherloc (09022015). Collection method: clinical testing. Allele origin: germline.
Comment: This sequence change replaces arginine with glutamine at codon 238 of the HADHB protein (p.Arg238Gln). The arginine residue is highly conserved and there is a small physicochemical difference between arginine and glutamine. This variant is present in population databases (rs369313023, ExAC 0.006%). This variant has not been reported in the literature in individuals affected with HADHB-related conditions. Algorithms developed to predict the effect of missense changes on protein structure and function (SIFT, PolyPhen-2, Align-GVGD) all suggest that this variant is likely to be disruptive. Algorithms developed to predict the effect of sequence changes on RNA splicing suggest that this variant may create or strengthen a splice site. In summary, the available evidence is currently insufficient to determine the role of this variant in disease. Therefore, it has been classified as a Variant of Uncertain Significance.

NM_000183.3(HADHB):c.713G>A (p.Arg238Gln)

Gene: HADHB (hydroxyacyl-CoA dehydrogenase trifunctional multienzyme complex subunit beta; plus strand). Cytogenetic location: 2p23.3.
Variant type: single nucleotide variant.
Coding change: c.713G>A on transcript NM_000183.3 (MANE Select); coding-DNA position 713, G replaced by A.
Protein change: p.Arg238Gln; replaces arginine 238 with glutamine.
Molecular consequence: missense variant.
Genome position (GRCh38, 1-based): chr2:26,279,217, G>A. VCF-style: chr2-26279217-G-A. GRCh37 (hg19) VCF-style: chr2-26502085-G-A.
Other names: c.668G>A, p.Arg223Gln (NM_001281512.2); c.647G>A, p.Arg216Gln (NM_001281513.2); short protein forms R216Q, R223Q, R238Q.
Identifiers: ClinVar variation 1061898 (VCV001061898.6), dbSNP rs369313023, ClinGen allele CA1560320.